The following is an entry in ClinVar:

NM_015512.5(DNAH1):c.11819T>A (p.Leu3940His)

Gene: DNAH1 (dynein axonemal heavy chain 1; plus strand). Cytogenetic location: 3p21.1.
Variant type: single nucleotide variant.
Coding change: c.11819T>A on transcript NM_015512.5 (MANE Select); coding-DNA position 11819, T replaced by A.
Protein change: p.Leu3940His; replaces leucine 3940 with histidine.
Molecular consequence: missense variant.
Genome position (GRCh38, 1-based): chr3:52,397,738, T>A. VCF-style: chr3-52397738-T-A. GRCh37 (hg19) VCF-style: chr3-52431754-T-A.
Other names: short protein forms L3940H.
Identifiers: ClinVar variation 4531905 (VCV004531905.1).

ClinVar aggregate classification (germline): Uncertain significance (1 of 4 stars; one submission).

Conditions:
Ciliary dyskinesia, primary, 37 (CILD37). Also called: CILIARY DYSKINESIA, PRIMARY, 37, WITH OR WITHOUT SITUS INVERSUS. Identifiers: MedGen C4539798, MONDO:0033204, OMIM 617577.

gnomAD v4.1: 10 of 1,613,008 alleles (0.00062%); highest among the groups gnomAD compares: Non-Finnish European, 0.00085%; no homozygotes.

Submission:

Victorian Clinical Genetics Services, Murdoch Childrens Research Institute
Classification: Uncertain significance for Ciliary dyskinesia, primary, 37. Last evaluated: 2024-11-21. Review status: criteria provided, single submitter. Criteria: ACMG Guidelines, 2015. Collection method: clinical testing. Allele origin: germline. Affected: yes.
Comment: This variant is classified as VUS-3B. Evidence in support of pathogenic classification: Variant is present in gnomAD <0.01 for a recessive condition (v4: 10 heterozygotes, 0 homozygotes). Additional information: Variant is predicted to result in a missense amino acid change from leucine to histidine; This variant is heterozygous; This gene is associated with autosomal recessive disease; This variant has no previous evidence of pathogenicity; No published segregation evidence has been identified for this variant; No published functional evidence has been identified for this variant; No comparable missense variants have previous evidence for pathogenicity; Variant is located in the annotated dynein heavy chain AAA lid domain (DECIPHER); Missense variant with an inconclusive in silico prediction and uninformative conservation; Loss of function is a known mechanism of disease in this gene and is associated with spermatogenic failure 18 (MIM#617576); Inheritance information for this variant is not currently available in this individual.